The following is an entry in ClinVar:

ClinVar aggregate classification (germline): Pathogenic/Likely pathogenic. Review status: criteria provided, multiple submitters, no conflicts (2 of 4 stars). 9 submissions from 9 submitters: Pathogenic (1); Likely pathogenic (8). Last evaluated 2026-01-28.

Conditions:
ADCK3 & COQ8A-related disorders.
Autosomal recessive ataxia due to ubiquinone deficiency. Also called: Coenzyme Q10 deficiency, primary, 4; SPINOCEREBELLAR ATAXIA, AUTOSOMAL RECESSIVE 9. Identifiers: Orphanet 139485, MedGen C2677589, MONDO:0012784, OMIM 612016.

Allele frequency attached by ClinVar (database versions not stated): ExAC 0.00001; TOPMed 0.00001; gnomAD 0.00002; gnomAD exomes 0.00004.
gnomAD v4.1: 65 of 1,613,568 alleles (0.004%); highest among the groups gnomAD compares: Non-Finnish European, 0.0047%; no homozygotes.

Submissions (9):

Labcorp Genetics (formerly Invitae), Labcorp
Classification: Pathogenic. Last evaluated: 2026-01-28. Review status: criteria provided, single submitter. Criteria: Invitae Variant Classification Sherloc (09022015). Collection method: clinical testing. Allele origin: germline.
Comment: This sequence change replaces alanine, which is neutral and non-polar, with valine, which is neutral and non-polar, at codon 304 of the COQ8A protein (p.Ala304Val). This variant is present in population databases (rs748118737, gnomAD 0.008%). This missense change has been observed in individuals with clinical features of coenzyme Q10 deficiency (PMID: 22036850, 27142713, 29482223, 33949708, 37476682). ClinVar contains an entry for this variant (Variation ID: 381728). Invitae Evidence Modeling of protein sequence and biophysical properties (such as structural, functional, and spatial information, amino acid conservation, physicochemical variation, residue mobility, and thermodynamic stability) indicates that this missense variant is expected to disrupt COQ8A protein function with a positive predictive value of 80%. This variant disrupts the p.Ala304 amino acid residue in COQ8A. Other variant(s) that disrupt this residue have been determined to be pathogenic (PMID: 22036850; internal data). This suggests that this residue is clinically significant, and that variants that disrupt this residue are likely to be disease-causing. For these reasons, this variant has been classified as Pathogenic.

GeneDx
Classification: Likely pathogenic. Last evaluated: 2025-06-24. Review status: criteria provided, single submitter. Criteria: GeneDx Variant Classification Process June 2021. Collection method: clinical testing. Allele origin: germline. Affected: yes.
Comment: Not observed at significant frequency in large population cohorts (gnomAD); In silico analysis supports that this missense variant has a deleterious effect on protein structure/function; This variant is associated with the following publications: (PMID: 29482223, 27106809, 22036850, 33622667, 37476682, 32337771, 27142713, 35872528, 33949708, 29255295, 34638552, 33677064)

Athena Diagnostics
Classification: Likely pathogenic. Last evaluated: 2024-06-03. Review status: criteria provided, single submitter. Criteria: Athena Diagnostics Criteria. Collection method: clinical testing. Allele origin: unknown.
Comment: The frequency of this variant in the general population is consistent with pathogenicity. This variant has been identified homozygous in multiple unrelated individuals with clinical features associated with this gene. Polyphen and MutationTaster predict this amino acid change may be damaging to the protein.

Fulgent Genetics
Classification: Likely pathogenic for Autosomal recessive ataxia due to ubiquinone deficiency. Last evaluated: 2024-05-07. Review status: criteria provided, single submitter. Criteria: ACMG Guidelines, 2015. Collection method: clinical testing. Allele origin: germline.

Blueprint Genetics
Classification: Likely pathogenic for ADCK3 & COQ8A-related disorders. Last evaluated: 2024-04-29. Review status: criteria provided, single submitter. Criteria: ACMG Guidelines, 2015. Collection method: clinical testing. Allele origin: germline. Affected: yes. Observed: 5 variant alleles.

Neuberg Centre For Genomic Medicine, NCGM
Classification: Likely pathogenic for Autosomal recessive ataxia due to ubiquinone deficiency. Last evaluated: 2023-05-20. Review status: criteria provided, single submitter. Criteria: ACMG Guidelines, 2015. Collection method: clinical testing. Allele origin: germline. Inheritance: Autosomal recessive inheritance. Affected: yes.
Comment: The observed missense c.911C>T(p.Ala304Val) variant in COQ8A gene has been reported previously in homozygous and compound heterozygous state in individuals affected with coenzyme Q deficiency (Hughes BG, et al., 2017; Horvath R, et al., 2012). The p.Ala304Val variant has been reported with allele frequency of 0.004% in gnomAD Exomes. This variant has been reported to the ClinVar database as Uncertain Significance / Likely Pathogenic (multiple submissions). Multiple lines of computational evidences (Polyphen - Probably damaging, SIFT - Damaging and MutationTaster - Disease causing) predict a damaging effect on protein structure and function for this variant. The amino acid change p.Ala304Val in COQ8A is predicted as conserved by GERP++ and PhyloP across 100 vertebrates. The amino acid Ala at position 304 is changed to a Val changing protein sequence and it might alter its composition and physico-chemical properties. Another missense variant [c.910G>A p.Ala304Thr] on the same residue of this gene has previously been reported to be disease causing (Horvath R, et al., 2012), suggesting that this residue might be of clinical significance. However, additional functional studies will be required to prove the pathogenicity of this variant. For these reasons, this variant has been classified as Likely Pathogenic.

CeGaT Center for Human Genetics Tuebingen
Classification: Likely pathogenic. Last evaluated: 2023-04-01. Review status: criteria provided, single submitter. Criteria: CeGaT Center For Human Genetics Tuebingen Variant Classification Criteria Version 2. Collection method: clinical testing. Allele origin: germline. Affected: yes. Observed: 2 variant alleles.
Comment: COQ8A: PM2, PM3, PM5, PP3

Molecular Genetics, Royal Melbourne Hospital
Classification: Likely pathogenic for Autosomal recessive ataxia due to ubiquinone deficiency. Last evaluated: 2020-10-26. Review status: criteria provided, single submitter. Criteria: ACMG Guidelines, 2015. Collection method: clinical testing. Allele origin: germline. Affected: yes.
Comment: This sequence change is predicted to replace alanine with valine at codon 304 of the COQ8A protein (p.Ala304Val). The alanine residue is highly conserved (100 vertebrates, UCSC), and is located in an alpha-helix. There is a small physicochemical difference between alanine and valine, but the substitution is predicted to cause a steric clash with Pro335 and Ala338 (PMID: 25498144). The variant is present in a large population cohort at a frequency of 0.004%, which is consistent with recessive conditions (rs748118737, 11/282,096 alleles, 0 homozygotes in gnomAD v2.1). It has been identified in the homozygous state in two unrelated individuals with cerebellar ataxia (PMID: 22036850, 27142713). In one of these individuals non-genetic biochemical tests in a muscle biopsy were conducted to confirm coenzyme Q10 deficiency, and showed combined respiratory chain deficiency and significantly decreased coenzyme Q10 (PMID: 22036850). Multiple lines of computational evidence predict a deleterious effect for the missense substitution (6/7 algorithms). Additionally, another missense substitution at this position (p.Ala304Thr) has been identified in an individual with cerebellar ataxia (PMID: 22036850). Based on the classification scheme RMH ACMG Guidelines v1.1.1, this variant is classified as LIKELY PATHOGENIC. Following criteria are met: PM2, PM3, PP3, PP4.

Institute of Human Genetics Munich, TUM University Hospital
Classification: Likely pathogenic for Autosomal recessive ataxia due to ubiquinone deficiency. Last evaluated: 2020-08-17. Review status: criteria provided, single submitter. Criteria: Classification criteria August 2017. Collection method: clinical testing. Allele origin: germline. Inheritance: Autosomal recessive inheritance. Affected: yes. Observed: 1 variant allele.

Literature cited by the submitters: PubMed 22036850 (cited by 3 submitters); PubMed 27142713 (cited by 3 submitters); PubMed 29482223 (cited by Labcorp Genetics (formerly Invitae), Labcorp and Athena Diagnostics); PubMed 33949708 (cited by Labcorp Genetics (formerly Invitae), Labcorp and Athena Diagnostics); PubMed 37476682 (cited by Labcorp Genetics (formerly Invitae), Labcorp and Athena Diagnostics); PubMed 32337771 (cited by Athena Diagnostics); PubMed 33622667 (cited by Athena Diagnostics); PubMed 35872528 (cited by Athena Diagnostics); PubMed 25498144 (cited by Molecular Genetics, Royal Melbourne Hospital).

NM_020247.5(COQ8A):c.911C>T (p.Ala304Val)

Gene: COQ8A (coenzyme Q8A; plus strand). Cytogenetic location: 1q42.13.
Variant type: single nucleotide variant.
Coding change: c.911C>T on transcript NM_020247.5 (MANE Select); coding-DNA position 911, C replaced by T.
Protein change: p.Ala304Val; replaces alanine 304 with valine.
Molecular consequence: missense variant.
Genome position (GRCh38, 1-based): chr1:226,982,735, C>T. VCF-style: chr1-226982735-C-T. GRCh37 (hg19) VCF-style: chr1-227170436-C-T.
Other names: short protein forms A304V.
Identifiers: ClinVar variation 381728 (VCV000381728.64), dbSNP rs748118737, ClinGen allele CA1425212.